The following is an entry in ClinVar:

NM_001235.5(SERPINH1):c.365C>T (p.Thr122Met)

Gene: SERPINH1 (serpin family H member 1; plus strand). Cytogenetic location: 11q13.5.
Variant type: single nucleotide variant.
Coding change: c.365C>T on transcript NM_001235.5 (MANE Select); coding-DNA position 365, C replaced by T.
Protein change: p.Thr122Met; replaces threonine 122 with methionine.
Molecular consequence: missense variant.
Genome position (GRCh38, 1-based): chr11:75,566,714, C>T. VCF-style: chr11-75566714-C-T. GRCh37 (hg19) VCF-style: chr11-75277759-C-T.
Other names: c.365C>T, p.Thr122Met (NM_001207014.3); short protein forms T122M.
Identifiers: ClinVar variation 1388267 (VCV001388267.6), dbSNP rs769945594, ClinGen allele CA6190796.

ClinVar aggregate classification (germline): Uncertain significance (1 of 4 stars; one submission).

Allele frequency attached by ClinVar (database versions not stated): gnomAD exomes below 0.00001 and 0.00001; gnomAD 0.00001; ExAC 0.00002.
gnomAD v4.1: 6 of 1,611,998 alleles (0.00037%); highest among the groups gnomAD compares: African/African-American, 0.0027%; no homozygotes.

Submission:

Labcorp Genetics (formerly Invitae), Labcorp
Classification: Uncertain significance. Last evaluated: 2021-11-01. Review status: criteria provided, single submitter. Criteria: Invitae Variant Classification Sherloc (09022015). Collection method: clinical testing. Allele origin: germline.
Comment: In summary, the available evidence is currently insufficient to determine the role of this variant in disease. Therefore, it has been classified as a Variant of Uncertain Significance. Advanced modeling of protein sequence and biophysical properties (such as structural, functional, and spatial information, amino acid conservation, physicochemical variation, residue mobility, and thermodynamic stability) performed at Invitae indicates that this missense variant is not expected to disrupt SERPINH1 protein function. This variant has not been reported in the literature in individuals affected with SERPINH1-related conditions. The frequency data for this variant in the population databases is considered unreliable, as metrics indicate poor data quality at this position in the gnomAD database. This sequence change replaces threonine, which is neutral and polar, with methionine, which is neutral and non-polar, at codon 122 of the SERPINH1 protein (p.Thr122Met).